The following is an entry in ClinVar:

ClinVar aggregate classification (germline): Uncertain significance (1 of 4 stars; one submission).

Allele frequency attached by ClinVar (database versions not stated): gnomAD exomes 0.00001; TOPMed 0.00001; ExAC 0.00002; gnomAD 0.00002.
gnomAD v4.1: 14 of 1,614,068 alleles (0.00087%); highest among the groups gnomAD compares: Admixed American, 0.0033%; no homozygotes.

Submission:

Labcorp Genetics (formerly Invitae), Labcorp
Classification: Uncertain significance. Last evaluated: 2025-06-30. Review status: criteria provided, single submitter. Criteria: Invitae Variant Classification Sherloc (09022015). Collection method: clinical testing. Allele origin: germline.
Comment: This sequence change replaces arginine, which is basic and polar, with tryptophan, which is neutral and slightly polar, at codon 3719 of the FAT2 protein (p.Arg3719Trp). This variant is present in population databases (rs780553915, gnomAD 0.006%). This variant has not been reported in the literature in individuals affected with FAT2-related conditions. ClinVar contains an entry for this variant (Variation ID: 2075138). An algorithm developed to predict the effect of missense changes on protein structure and function (PolyPhen-2) suggests that this variant is likely to be disruptive. In summary, the available evidence is currently insufficient to determine the role of this variant in disease. Therefore, it has been classified as a Variant of Uncertain Significance.

NM_001447.3(FAT2):c.11155C>T (p.Arg3719Trp)

Genes: FAT2 (FAT atypical cadherin 2; minus strand), SLC36A1 (solute carrier family 36 member 1; plus strand). Cytogenetic location: 5q33.1.
Variant type: single nucleotide variant.
Coding change: c.11155C>T on transcript NM_001447.3 (MANE Select); coding-DNA position 11155, C replaced by T.
Protein change: p.Arg3719Trp; replaces arginine 3719 with tryptophan.
Molecular consequence: missense variant.
Genome position (GRCh38, 1-based): chr5:151,521,438, G>A on the plus strand (C>T on the coding strand, the complement: FAT2 is on the minus strand). VCF-style: chr5-151521438-G-A. GRCh37 (hg19) VCF-style: chr5-150900999-G-A.
Other names: short protein forms R3719W.
Identifiers: ClinVar variation 2075138 (VCV002075138.4), dbSNP rs780553915, ClinGen allele CA3520080.